The following is an entry in ClinVar:

ClinVar aggregate classification (germline): Uncertain significance (1 of 4 stars; one submission).

Conditions:
COG5-congenital disorder of glycosylation. Also called: COG5-CDG; CDG IIi; CONGENITAL DISORDER OF GLYCOSYLATION, TYPE IIi. Identifiers: Orphanet 263487, MedGen C3150876, MONDO:0013325, OMIM 613612.

Allele frequency attached by ClinVar (database versions not stated): TOPMed 0.00001.

Submission:

Labcorp Genetics (formerly Invitae), Labcorp
Classification: Uncertain significance for COG5-congenital disorder of glycosylation. Last evaluated: 2022-04-23. Review status: criteria provided, single submitter. Criteria: Invitae Variant Classification Sherloc (09022015). Collection method: clinical testing. Allele origin: germline.
Comment: This sequence change replaces glycine, which is neutral and non-polar, with valine, which is neutral and non-polar, at codon 505 of the COG5 protein (p.Gly505Val). This variant is not present in population databases (gnomAD no frequency). This variant has not been reported in the literature in individuals affected with COG5-related conditions. Algorithms developed to predict the effect of missense changes on protein structure and function are either unavailable or do not agree on the potential impact of this missense change (SIFT: "Tolerated"; PolyPhen-2: "Possibly Damaging"; Align-GVGD: "Class C0"). In summary, the available evidence is currently insufficient to determine the role of this variant in disease. Therefore, it has been classified as a Variant of Uncertain Significance.

NM_006348.5(COG5):c.1421G>T (p.Gly474Val)

Gene: COG5 (component of oligomeric golgi complex 5; minus strand). Cytogenetic location: 7q22.3.
Variant type: single nucleotide variant.
Coding change: c.1421G>T on transcript NM_006348.5 (MANE Select); coding-DNA position 1421, G replaced by T.
Protein change: p.Gly474Val; replaces glycine 474 with valine.
Molecular consequence: missense variant. On other transcripts: intron variant (1).
Genome position (GRCh38, 1-based): chr7:107,283,625, C>A on the plus strand (G>T on the coding strand, the complement: COG5 is on the minus strand). VCF-style: chr7-107283625-C-A. GRCh37 (hg19) VCF-style: chr7-106924070-C-A.
Other names: c.1421G>T, p.Gly474Val (NM_001161520.2, NM_001379512.1, NM_001379513.1 and 2 more transcripts); c.851G>T, p.Gly284Val (NM_001379515.1); c.707G>T, p.Gly236Val (NM_001379516.1); c.1314-2226G>T (NM_001379511.1); short protein forms G236V, G284V, G474V.
Identifiers: ClinVar variation 1960277 (VCV001960277.3), dbSNP rs1805366708, ClinGen allele CA368938130.